The following is an entry in ClinVar:

ClinVar aggregate classification (germline): Uncertain significance. Review status: criteria provided, multiple submitters, no conflicts (2 of 4 stars). 2 submissions from 2 submitters: Uncertain significance (2). Last evaluated 2025-05-12.

Conditions:
Inborn genetic diseases. Identifiers: MedGen C0950123, MeSH D030342.

Allele frequency attached by ClinVar (database versions not stated): TOPMed 0.00002; gnomAD 0.00003.
gnomAD v4.1: 46 of 1,589,318 alleles (0.0029%); highest among the groups gnomAD compares: South Asian, 0.008%; no homozygotes.

Submissions (2):

Ambry Genetics
Classification: Uncertain significance for Inborn genetic diseases. Last evaluated: 2025-05-12. Review status: criteria provided, single submitter. Criteria: Ambry Variant Classification Scheme 2023. Collection method: clinical testing. Allele origin: germline.

Labcorp Genetics (formerly Invitae), Labcorp
Classification: Uncertain significance. Last evaluated: 2022-03-26. Review status: criteria provided, single submitter. Criteria: Invitae Variant Classification Sherloc (09022015). Collection method: clinical testing. Allele origin: germline.
Comment: This sequence change replaces arginine, which is basic and polar, with cysteine, which is neutral and slightly polar, at codon 1056 of the UBE3B protein (p.Arg1056Cys). In summary, the available evidence is currently insufficient to determine the role of this variant in disease. Therefore, it has been classified as a Variant of Uncertain Significance. Algorithms developed to predict the effect of missense changes on protein structure and function are either unavailable or do not agree on the potential impact of this missense change (SIFT: "Deleterious"; PolyPhen-2: "Probably Damaging"; Align-GVGD: "Class C0"). This variant has not been reported in the literature in individuals affected with UBE3B-related conditions. This variant is present in population databases (no rsID available, gnomAD 0.004%).

NM_130466.4(UBE3B):c.3166C>T (p.Arg1056Cys)

Gene: UBE3B (ubiquitin protein ligase E3B; plus strand). Cytogenetic location: 12q24.11.
Variant type: single nucleotide variant.
Coding change: c.3166C>T on transcript NM_130466.4 (MANE Select); coding-DNA position 3166, C replaced by T.
Protein change: p.Arg1056Cys; replaces arginine 1056 with cysteine.
Molecular consequence: missense variant.
Genome position (GRCh38, 1-based): chr12:109,534,741, C>T. VCF-style: chr12-109534741-C-T. GRCh37 (hg19) VCF-style: chr12-109972546-C-T.
Other names: c.3166C>T (NM_130466.2); c.3166C>T, p.Arg1056Cys (NM_183415.3); short protein forms R1056C.
Identifiers: ClinVar variation 2083829 (VCV002083829.5), dbSNP rs1015920433, ClinGen allele CA243441791.
Genomic context (GRCh38, chr12:109,534,741, plus strand): 5'-TGCTTCAACCTGCTCAAGCTGCCCAACTACAGCAAGAAGAGCGTCCTCCGCGAGAAGCTG[C>T]GCTACGCCATCAGCATGAACACGGGCTTTGAACTCTCCTAGCTCCTGTCCCAGCCCTGCC-3'
Protein context (NP_569733.2, residues 1046-1066): SKKSVLREKL[Arg1056Cys]YAISMNTGFE